The following is an entry in ClinVar:

ClinVar aggregate classification (germline): Uncertain significance (1 of 4 stars; one submission).

Allele frequency attached by ClinVar (database versions not stated): gnomAD exomes below 0.00001.
gnomAD v4.1: 5 of 1,614,140 alleles (0.00031%); highest among the groups gnomAD compares: Middle Eastern, 0.033%; no homozygotes.

Submission:

Labcorp Genetics (formerly Invitae), Labcorp
Classification: Uncertain significance. Last evaluated: 2021-08-16. Review status: criteria provided, single submitter. Criteria: Invitae Variant Classification Sherloc (09022015). Collection method: clinical testing. Allele origin: germline.
Comment: In summary, the available evidence is currently insufficient to determine the role of this variant in disease. Therefore, it has been classified as a Variant of Uncertain Significance. Advanced modeling of protein sequence and biophysical properties (such as structural, functional, and spatial information, amino acid conservation, physicochemical variation, residue mobility, and thermodynamic stability) performed at Invitae indicates that this missense variant is not expected to disrupt FAT4 protein function. This variant has not been reported in the literature in individuals affected with FAT4-related conditions. This variant is not present in population databases (ExAC no frequency). This sequence change replaces valine with isoleucine at codon 3172 of the FAT4 protein (p.Val3172Ile). The valine residue is highly conserved and there is a small physicochemical difference between valine and isoleucine.

NM_001291303.3(FAT4):c.9520G>A (p.Val3174Ile)

Gene: FAT4 (FAT atypical cadherin 4; plus strand). Cytogenetic location: 4q28.1.
Variant type: single nucleotide variant.
Coding change: c.9520G>A on transcript NM_001291303.3 (MANE Select); coding-DNA position 9520, G replaced by A.
Protein change: p.Val3174Ile; replaces valine 3174 with isoleucine.
Molecular consequence: missense variant.
Genome position (GRCh38, 1-based): chr4:125,450,530, G>A. VCF-style: chr4-125450530-G-A. GRCh37 (hg19) VCF-style: chr4-126371685-G-A.
Other names: c.9520G>A, p.Val3174Ile (NM_001291285.3); c.9514G>A, p.Val3172Ile (NM_024582.6); short protein forms V3172I, V3174I.
Identifiers: ClinVar variation 1375507 (VCV001375507.5), dbSNP rs2126059556, ClinGen allele CA358152412.
Genomic context (GRCh38, chr4:125,450,530, plus strand): 5'-CTTGATTATGAGCTATGCCAGAAACACGAAATGACGATTAGTGCTATAGATGGAGGATGG[G>A]TTGCAAGAACTGGTTACTGCAGTGTGACCGTAAATGTGATTGATGTGAATGATAATTCTC-3'
Protein context (NP_001278232.1, residues 3164-3184): MTISAIDGGW[Val3174Ile]ARTGYCSVTV